The following is an entry in ClinVar:

ClinVar aggregate classification (germline): Uncertain significance (1 of 4 stars; one submission).

Submission:

Women's Health and Genetics/Laboratory Corporation of America, LabCorp
Classification: Uncertain significance. Last evaluated: 2025-06-04. Review status: criteria provided, single submitter. Criteria: LabCorp Variant Classification Summary - May 2015. Collection method: clinical testing. Allele origin: germline.
Comment: Variant summary: IVD c.884T>C (p.Met295Thr) results in a non-conservative amino acid change in the encoded protein sequence. Algorithms developed to predict the effect of missense changes on protein structure and function all suggest that this variant is likely to be disruptive. The variant was absent in 251394 control chromosomes. The available data on variant occurrences in the general population are insufficient to allow any conclusion about variant significance. To our knowledge, no occurrence of c.884T>C in individuals affected with Isovaleryl-CoA Dehydrogenase Deficiency and no experimental evidence demonstrating its impact on protein function have been reported. No submitters have cited clinical-significance assessments for this variant to ClinVar. Based on the evidence outlined above, the variant was classified as uncertain significance.

NM_002225.5(IVD):c.884T>C (p.Met295Thr)

Gene: IVD (isovaleryl-CoA dehydrogenase; plus strand). Cytogenetic location: 15q15.1.
Variant type: single nucleotide variant.
Coding change: c.884T>C on transcript NM_002225.5 (MANE Select); coding-DNA position 884, T replaced by C.
Protein change: p.Met295Thr; replaces methionine 295 with threonine.
Molecular consequence: missense variant. On other transcripts: non-coding transcript variant (1).
Genome position (GRCh38, 1-based): chr15:40,415,406, T>C. VCF-style: chr15-40415406-T-C. GRCh37 (hg19) VCF-style: chr15-40707605-T-C.
Other names: c.794T>C, p.Met265Thr (NM_001159508.3); c.836T>C, p.Met279Thr (NM_001354597.3); c.884T>C, p.Met295Thr (NM_001354598.3, NM_001354601.3); c.971T>C, p.Met324Thr (NM_001354599.3, NM_001354600.3); short protein forms M265T, M279T, M295T, M324T.
Identifiers: ClinVar variation 3907388 (VCV003907388.1).